The following is an entry in ClinVar:

ClinVar aggregate classification (germline): Uncertain significance. Review status: criteria provided, multiple submitters, no conflicts (2 of 4 stars). 2 submissions from 2 submitters: Uncertain significance (2). Last evaluated 2024-04-06.

Conditions:
Inborn genetic diseases. Identifiers: MedGen C0950123, MeSH D030342.

Allele frequency attached by ClinVar (database versions not stated): gnomAD 0.00001.
gnomAD v4.1: 3 of 1,574,440 alleles (0.00019%); highest among the groups gnomAD compares: Admixed American, 0.0055%; no homozygotes.

Submissions (2):

Ambry Genetics
Classification: Uncertain significance for Inborn genetic diseases. Last evaluated: 2024-04-06. Review status: criteria provided, single submitter. Criteria: Ambry Variant Classification Scheme 2023. Collection method: clinical testing. Allele origin: germline.

Labcorp Genetics (formerly Invitae), Labcorp
Classification: Uncertain significance. Last evaluated: 2023-07-17. Review status: criteria provided, single submitter. Criteria: Invitae Variant Classification Sherloc (09022015). Collection method: clinical testing. Allele origin: germline.
Comment: This variant has not been reported in the literature in individuals affected with AP3B2-related conditions. In summary, the available evidence is currently insufficient to determine the role of this variant in disease. Therefore, it has been classified as a Variant of Uncertain Significance. Algorithms developed to predict the effect of sequence changes on RNA splicing suggest that this variant may create or strengthen a splice site. An algorithm developed to predict the effect of missense changes on protein structure and function (PolyPhen-2) suggests that this variant is likely to be tolerated. ClinVar contains an entry for this variant (Variation ID: 1364159). The frequency data for this variant in the population databases is considered unreliable, as metrics indicate poor data quality at this position in the gnomAD database. This sequence change replaces glutamine, which is neutral and polar, with arginine, which is basic and polar, at codon 453 of the AP3B2 protein (p.Gln453Arg).

NM_001278512.2(AP3B2):c.1358A>G (p.Gln453Arg)

Genes: AP3B2 (adaptor related protein complex 3 subunit beta 2; minus strand), CPEB1-AS1 (CPEB1 antisense RNA 1; plus strand). Cytogenetic location: 15q25.2.
Variant type: single nucleotide variant.
Coding change: c.1358A>G on transcript NM_001278512.2 (MANE Select); coding-DNA position 1358, A replaced by G.
Protein change: p.Gln453Arg; replaces glutamine 453 with arginine.
Molecular consequence: missense variant.
Genome position (GRCh38, 1-based): chr15:82,677,691, T>C on the plus strand (A>G on the coding strand, the complement: AP3B2 is on the minus strand). VCF-style: chr15-82677691-T-C. GRCh37 (hg19) VCF-style: chr15-83346443-T-C.
Other names: c.1358A>G (NM_004644.3); c.1262A>G, p.Gln421Arg (NM_001278511.2); c.1358A>G, p.Gln453Arg (NM_004644.5); short protein forms Q421R, Q453R.
Identifiers: ClinVar variation 1364159 (VCV001364159.9), dbSNP rs1311214490, ClinGen allele CA393316504.